The following is an entry in ClinVar:

NM_000252.3(MTM1):c.867+1G>A

Gene: MTM1 (myotubularin 1; plus strand). Cytogenetic location: Xq28.
Variant type: single nucleotide variant.
Coding change: c.867+1G>A on transcript NM_000252.3 (MANE Select); the canonical splice donor site of the intron after coding-DNA position 867, G replaced by A.
Molecular consequence: splice donor variant.
Genome position (GRCh38, 1-based): chrX:150,645,872, G>A. VCF-style: chrX-150645872-G-A. GRCh37 (hg19) VCF-style: chrX-149814345-G-A.
Other names: c.867+1G>A (NM_001376908.1, NM_001376906.1); c.756+1G>A (NM_001376907.1).
Identifiers: ClinVar variation 159005 (VCV000159005.14), dbSNP rs587783858, ClinGen allele CA271944.

ClinVar aggregate classification (germline): Pathogenic. Review status: criteria provided, multiple submitters, no conflicts (2 of 4 stars). 3 submissions from 3 submitters: Pathogenic (3). Last evaluated 2026-03-31.

Conditions:
Severe X-linked myotubular myopathy (CNMX). Also called: MYOTUBULAR MYOPATHY 1; X-linked centronuclear myopathy; Myotubular myopathy, X-linked. Identifiers: Orphanet 596, MedGen C0410203, MONDO:0010683, OMIM 310400.

Submissions (4):

GeneDx
Classification: Pathogenic. Last evaluated: 2026-03-31. Review status: criteria provided, single submitter. Criteria: GeneDx Variant Classification Process June 2021. Collection method: clinical testing. Allele origin: germline.
Comment: Reported as a maternally inherited variant in a patient with unknown phenotype in published literature (PMID: 22968136); Canonical splice site variant predicted to result in an in-frame loss of the adjacent exon in a gene for which loss of function is a known mechanism of disease; Deletions involving coding exons of this gene are a known mechanism of disease (HGMD; other references); Not observed at significant frequency in large population cohorts (gnomAD); This variant is associated with the following publications: (PMID: 22968135, 22968136)

Labcorp Genetics (formerly Invitae), Labcorp
Classification: Pathogenic for Severe X-linked myotubular myopathy. Last evaluated: 2017-02-16. Review status: criteria provided, single submitter. Criteria: Invitae Variant Classification Sherloc (09022015). Collection method: clinical testing. Allele origin: germline.
Comment: For these reasons, this variant has been classified as Pathogenic. Different variants affecting this nucleotide (c.867+1G>T and c.867+1G>C) have been determined to be pathogenic (PMID: 22101172, 9851444). This suggests that this nucleotide is important for RNA splicing, and that other variants at this position may also be pathogenic. This variant was reported in an individual affected with centronuclear myopathy (PMID: 22968135) This variant is not present in population databases (rs587783858, ExAC no frequency). This sequence change affects a donor splice site in intron 9 of the MTM1 gene. It is expected to disrupt RNA splicing and likely results in an absent or disrupted protein product.

Genetic Services Laboratory, University of Chicago
Classification: Pathogenic for Myotubular myopathy, X-linked. Last evaluated: 2013-02-08. Review status: criteria provided, single submitter. Criteria: ACMG Guidelines, 2007. Collection method: clinical testing. Allele origin: germline. Inheritance: X-linked inheritance. Affected: yes.

Dr. Peter K. Rogan Lab, Western University
No classification provided (evidence only). Condition: Thyroid cancer, nonmedullary, 1. Review status: no classification provided. Collection method: in vitro. Allele origin: not applicable. Functional consequence: retained intron. Not counted in ClinVar's aggregate classification.

Literature cited by the submitters: PubMed 22101172 (cited by Labcorp Genetics (formerly Invitae), Labcorp); PubMed 9851444 (cited by Labcorp Genetics (formerly Invitae), Labcorp); PubMed 22968135 (cited by Labcorp Genetics (formerly Invitae), Labcorp).